The following is an entry in ClinVar:

ClinVar aggregate classification (germline): Likely pathogenic (1 of 4 stars; one submission).

Conditions:
Polycystic kidney disease, adult type (PKD1). Also called: Polycystic Kidney Disease 1, Autosomal Dominant; Polycystic kidney disease 1; Polycystic kidney disease 1, severe; Polycystic Kidney, Autosomal Dominant; POLYCYSTIC KIDNEY DISEASE 1 WITH OR WITHOUT POLYCYSTIC LIVER DISEASE; POLYCYSTIC KIDNEY DISEASE, ADULT, TYPE I. Identifiers: MedGen C3149841, MONDO:0008263, OMIM 173900.

Submission:

MVZ Medizinische Genetik Mainz
Classification: Likely pathogenic for Polycystic kidney disease, adult type. Last evaluated: 2025-05-06. Review status: criteria provided, single submitter. Criteria: UK Practice Guidelines For Variant Classification V4 01 2020. Collection method: clinical testing. Allele origin: germline. Inheritance: Autosomal dominant inheritance. Affected: yes. Observed: 1 variant allele.
Comment: ACMG Criteria: PM5,PP3_MOD,PM2_SUP,PP4

NM_001009944.3(PKD1):c.415T>G (p.Trp139Gly)

Gene: PKD1 (polycystin 1, transient receptor potential channel interacting; minus strand). Cytogenetic location: 16p13.3.
Variant type: single nucleotide variant.
Coding change: c.415T>G on transcript NM_001009944.3 (MANE Select); coding-DNA position 415, T replaced by G.
Protein change: p.Trp139Gly; replaces tryptophan 139 with glycine.
Molecular consequence: missense variant.
Genome position (GRCh38, 1-based): chr16:2,118,790, A>C on the plus strand (T>G on the coding strand, the complement: PKD1 is on the minus strand). VCF-style: chr16-2118790-A-C. GRCh37 (hg19) VCF-style: chr16-2168791-A-C.
Other names: c.415T>G, p.Trp139Gly (NM_000296.4); short protein forms W139G.
Identifiers: ClinVar variation 3900711 (VCV003900711.1).